The following is an entry in ClinVar:

ClinVar aggregate classification (germline): Pathogenic (1 of 4 stars; one submission).

Conditions:
Inborn genetic diseases. Identifiers: MedGen C0950123, MeSH D030342.

Submission:

Ambry Genetics
Classification: Pathogenic for Inborn genetic diseases. Last evaluated: 2025-02-18. Review status: criteria provided, single submitter. Criteria: Ambry Variant Classification Scheme 2023. Collection method: clinical testing. Allele origin: germline.
Comment: The c.3430C>T (p.Q1144*) alteration, located in exon 27 (coding exon 24) of the UNC79 gene, consists of a C to T substitution at nucleotide position 3430. This changes the amino acid from a glutamine (Q) to a stop codon at amino acid position 1144. This alteration is expected to result in loss of function by premature protein truncation or nonsense-mediated mRNA decay. This variant was not reported in population-based cohorts in the Genome Aggregation Database (gnomAD). Based on the available evidence, this alteration is classified as pathogenic.

NM_001395159.1(UNC79):c.4027C>T (p.Gln1343Ter)

Gene: UNC79 (unc-79 homolog, NALCN channel complex subunit; plus strand). Cytogenetic location: 14q32.12.
Variant type: single nucleotide variant.
Coding change: c.4027C>T on transcript NM_001395159.1 (MANE Select); coding-DNA position 4027, C replaced by T.
Protein change: p.Gln1343Ter; replaces glutamine 1343 with a stop codon.
Molecular consequence: nonsense.
Genome position (GRCh38, 1-based): chr14:93,613,003, C>T. VCF-style: chr14-93613003-C-T. GRCh37 (hg19) VCF-style: chr14-94079349-C-T.
Other names: c.3961C>T, p.Gln1321Ter (NM_001346218.2); c.3430C>T, p.Gln1144Ter (NM_020818.5); short protein forms Q1144*, Q1321*, Q1343*.
Identifiers: ClinVar variation 3813610 (VCV003813610.1).
Genomic context (GRCh38, chr14:93,613,003, plus strand): 5'-AGTGCAAAGGCCTTCAACACGGTCAAGCGACACCTGTACGTCTTACTCGGCTATGACCAG[C>T]AGGAAGGTTGCTTCATGATTGCACCTCAAAAAATGCGCCTGTCAACTTGCTTTAATGCAT-3'